The following is an entry in ClinVar:

ClinVar aggregate classification (germline): Likely benign (0 of 4 stars; one submission).

Conditions:
ECEL1-related disorder. Also called: ECEL1-related condition.

Allele frequency attached by ClinVar (database versions not stated): ExAC 0.00033; 1000 Genomes Project 0.00100; gnomAD 0.00101; 1000 Genomes Project 30x 0.00109; ESP Exome Variant Server 0.00115; TOPMed 0.00130.

Submission:

PreventionGenetics, part of Exact Sciences
Classification: Likely benign for ECEL1-related condition. Last evaluated: 2020-01-10. Review status: no assertion criteria provided. Collection method: clinical testing. Allele origin: germline.
Comment: This variant is classified as likely benign based on ACMG/AMP sequence variant interpretation guidelines (Richards et al. 2015 PMID: 25741868, with internal and published modifications).

NM_004826.4(ECEL1):c.1479C>T (p.Ala493=)

Gene: ECEL1 (endothelin converting enzyme like 1; minus strand). Cytogenetic location: 2q37.1.
Variant type: single nucleotide variant.
Coding change: c.1479C>T on transcript NM_004826.4 (MANE Select); coding-DNA position 1479, C replaced by T.
Protein change: p.Ala493=; no amino-acid change (alanine 493 retained).
Molecular consequence: synonymous variant.
Genome position (GRCh38, 1-based): chr2:232,483,443, G>A on the plus strand (C>T on the coding strand, the complement: ECEL1 is on the minus strand). VCF-style: chr2-232483443-G-A. GRCh37 (hg19) VCF-style: chr2-233348153-G-A.
Other names: c.1479C>T, p.Ala493= (NM_001290787.2).
Identifiers: ClinVar variation 3051594 (VCV003051594.2), dbSNP rs146818286, ClinGen allele CA2167281.